The following is an entry in ClinVar:

NM_001378454.1(ALMS1):c.9653T>C (p.Ile3218Thr)

Gene: ALMS1 (ALMS1 centrosome and basal body associated protein; plus strand). Cytogenetic location: 2p13.1.
Variant type: single nucleotide variant.
Coding change: c.9653T>C on transcript NM_001378454.1 (MANE Select); coding-DNA position 9653, T replaced by C.
Protein change: p.Ile3218Thr; replaces isoleucine 3218 with threonine.
Molecular consequence: missense variant.
Genome position (GRCh38, 1-based): chr2:73,519,888, T>C. VCF-style: chr2-73519888-T-C. GRCh37 (hg19) VCF-style: chr2-73747015-T-C.
Other names: c.9656T>C, p.Ile3219Thr (NM_015120.4); short protein forms I3219T, I3218T.
Identifiers: ClinVar variation 4977398 (VCV004977398.1).

ClinVar aggregate classification (germline): Uncertain significance (1 of 4 stars; one submission).

Conditions:
ALMS1-related disorder. Also called: ALMS1-related condition.

gnomAD v4.1: 1 of 1,614,138 alleles (0.000062%); highest among the groups gnomAD compares: Non-Finnish European, 0.000085%; no homozygotes.

Submission:

PreventionGenetics, part of Exact Sciences
Classification: Uncertain significance for ALMS1-related condition. Last evaluated: 2026-08-28. Review status: criteria provided, single submitter. Criteria: ACMG Guidelines, 2015. Collection method: clinical testing. Allele origin: germline.
Comment: The ALMS1 c.9656T>C variant is predicted to result in the amino acid substitution p.Ile3219Thr. To our knowledge, this variant has not been reported in the literature. This variant is reported in 0.00088% of alleles in individuals of European (Non-Finnish) descent in gnomAD. At this time, the clinical significance of this variant is uncertain due to the absence of conclusive functional and genetic evidence.